The following is an entry in ClinVar:

ClinVar aggregate classification (germline): Uncertain significance (1 of 4 stars; one submission).

Conditions:
Atrial septal defect 3 (ASD3). Identifiers: Orphanet 1478, MedGen C3279790, MONDO:0013567, OMIM 614089.
Sick sinus syndrome 3, susceptibility to (SSS3). Identifiers: Orphanet 166282, MedGen C3279791, MONDO:0013568, OMIM 614090.
Dilated cardiomyopathy 1EE (CMD1EE). Identifiers: Orphanet 154, MedGen C2750466, MONDO:0013198, OMIM 613252.
Hypertrophic cardiomyopathy 14. Identifiers: MedGen C2750467, MONDO:0013197, OMIM 613251.

gnomAD v4.1: 1 of 1,614,100 alleles (0.000062%); highest among the groups gnomAD compares: East Asian, 0.0022%; no homozygotes.

Submission:

Juno Genomics, Hangzhou Juno Genomics, Inc
Classification: Uncertain significance for Atrial septal defect 3; Sick sinus syndrome 3, susceptibility to; Dilated cardiomyopathy 1EE; Hypertrophic cardiomyopathy 14. Review status: criteria provided, single submitter. Criteria: ACMG Guidelines, 2015. Collection method: clinical testing. Allele origin: germline. Affected: yes.
Comment: Absent from controls (or at extremely low frequency if recessive) in Genome Aggregation Database.;Multiple lines of computational evidence support a deleterious effect on the gene or gene product.;Missense variant in a gene that has a low rate of benign missense variation.

NM_002471.4(MYH6):c.355G>A (p.Gly119Ser)

Genes: MYH6 (myosin heavy chain 6; minus strand), LOC114827851 (VISTA enhancer hs2155; plus strand). Cytogenetic location: 14q11.2.
Variant type: single nucleotide variant.
Coding change: c.355G>A on transcript NM_002471.4 (MANE Select); coding-DNA position 355, G replaced by A.
Protein change: p.Gly119Ser; replaces glycine 119 with serine.
Molecular consequence: missense variant.
Genome position (GRCh38, 1-based): chr14:23,405,370, C>T on the plus strand (G>A on the coding strand, the complement: MYH6 is on the minus strand). VCF-style: chr14-23405370-C-T. GRCh37 (hg19) VCF-style: chr14-23874579-C-T.
Other names: short protein forms G119S.
Identifiers: ClinVar variation 5018557 (VCV005018557.1).